The following is an entry in ClinVar:

ClinVar aggregate classification (germline): Uncertain significance. Review status: criteria provided, multiple submitters, no conflicts (2 of 4 stars). 3 submissions from 3 submitters: Uncertain significance (3). Last evaluated 2024-11-09.

Conditions:
Inborn genetic diseases. Identifiers: MedGen C0950123, MeSH D030342.
Pierson syndrome. Also called: MICROCORIA-CONGENITAL NEPHROTIC SYNDROME. Identifiers: Orphanet 2670, MedGen C1836876, MONDO:0012184, OMIM 609049.
LAMB2-related infantile-onset nephrotic syndrome. Also called: NEPHROTIC SYNDROME, TYPE 5, WITHOUT OCULAR ABNORMALITIES; NEPHROTIC SYNDROME, TYPE 5, WITH OCULAR ABNORMALITIES; Nephrotic Syndrome, type 5. Identifiers: Orphanet 306507, MedGen C3280113, MONDO:0013621, OMIM 614199.

Allele frequency attached by ClinVar (database versions not stated): gnomAD exomes below 0.00001 and 0.00003; gnomAD 0.00002; TOPMed 0.00003.

Submissions (3):

Ambry Genetics
Classification: Uncertain significance for Inborn genetic diseases. Last evaluated: 2024-11-09. Review status: criteria provided, single submitter. Criteria: Ambry Variant Classification Scheme 2023. Collection method: clinical testing. Allele origin: germline.

Fulgent Genetics
Classification: Uncertain significance for Pierson syndrome; LAMB2-related infantile-onset nephrotic syndrome. Last evaluated: 2024-04-25. Review status: criteria provided, single submitter. Criteria: ACMG Guidelines, 2015. Collection method: clinical testing. Allele origin: germline.

Labcorp Genetics (formerly Invitae), Labcorp
Classification: Uncertain significance for LAMB2-related infantile-onset nephrotic syndrome; Pierson syndrome. Last evaluated: 2022-03-23. Review status: criteria provided, single submitter. Criteria: Invitae Variant Classification Sherloc (09022015). Collection method: clinical testing. Allele origin: germline.
Comment: In summary, the available evidence is currently insufficient to determine the role of this variant in disease. Therefore, it has been classified as a Variant of Uncertain Significance. Algorithms developed to predict the effect of missense changes on protein structure and function output the following: SIFT: "Tolerated"; PolyPhen-2: "Benign"; Align-GVGD: "Class C0". The tyrosine amino acid residue is found in multiple mammalian species, which suggests that this missense change does not adversely affect protein function. ClinVar contains an entry for this variant (Variation ID: 645145). This variant has not been reported in the literature in individuals affected with LAMB2-related conditions. This variant is present in population databases (no rsID available, gnomAD 0.0009%). This sequence change replaces histidine, which is basic and polar, with tyrosine, which is neutral and polar, at codon 340 of the LAMB2 protein (p.His340Tyr).

NM_002292.4(LAMB2):c.1018C>T (p.His340Tyr)

Gene: LAMB2 (laminin subunit beta 2; minus strand). Cytogenetic location: 3p21.31.
Variant type: single nucleotide variant.
Coding change: c.1018C>T on transcript NM_002292.4 (MANE Select); coding-DNA position 1018, C replaced by T.
Protein change: p.His340Tyr; replaces histidine 340 with tyrosine.
Molecular consequence: missense variant.
Genome position (GRCh38, 1-based): chr3:49,130,758, G>A on the plus strand (C>T on the coding strand, the complement: LAMB2 is on the minus strand). VCF-style: chr3-49130758-G-A. GRCh37 (hg19) VCF-style: chr3-49168191-G-A.
Other names: short protein forms H340Y.
Identifiers: ClinVar variation 645145 (VCV000645145.10), dbSNP rs903919410, ClinGen allele CA74487925.
Genomic context (GRCh38, chr3:49,130,758, plus strand): 5'-GCTGCAGAGTGCTGGAGCTATGGAGGCCAAGATCTCACTCACTCCTACAGGCATGACTAT[G>A]GCCGTCCTCAGCCGGACGCCAGGGCAGGTCACGATAGAAATCCTGACACTGCTCGCAGTT-3'
Protein context (NP_002283.3, residues 330-350): DLPWRPAEDG[His340Tyr]SHACRKCECH